The following is an entry in ClinVar:

ClinVar aggregate classification (germline): Uncertain significance (1 of 4 stars; one submission).

Submission:

Labcorp Genetics (formerly Invitae), Labcorp
Classification: Uncertain significance. Last evaluated: 2021-03-07. Review status: criteria provided, single submitter. Criteria: Invitae Variant Classification Sherloc (09022015). Collection method: clinical testing. Allele origin: germline.
Comment: This sequence change replaces valine with glycine at codon 237 of the ECHS1 protein (p.Val237Gly). The valine residue is weakly conserved and there is a moderate physicochemical difference between valine and glycine. The frequency data for this variant in the population databases is not available, as this variant may be reported as separate entries in the ExAC database. This variant has not been reported in the literature in individuals with ECHS1-related conditions. Algorithms developed to predict the effect of missense changes on protein structure and function are either unavailable or do not agree on the potential impact of this missense change (SIFT: "Not Available"; PolyPhen-2: "Possibly Damaging"; Align-GVGD: "Not Available"). Algorithms developed to predict the effect of sequence changes on RNA splicing suggest that this variant may create or strengthen a splice site, but this prediction has not been confirmed by published transcriptional studies. In summary, the available evidence is currently insufficient to determine the role of this variant in disease. Therefore, it has been classified as a Variant of Uncertain Significance.

NM_004092.4(ECHS1):c.710_711delinsGC (p.Val237Gly)

Gene: ECHS1 (enoyl-CoA hydratase, short chain 1; minus strand). Cytogenetic location: 10q26.3.
Variant type: Indel.
Coding change: c.710_711delinsGC on transcript NM_004092.4 (MANE Select); coding-DNA positions 710 to 711, TA replaced by GC.
Protein change: p.Val237Gly; replaces valine 237 with glycine.
Molecular consequence: missense variant.
Genome position (GRCh38, 1-based): chr10:133,366,004-133,366,005, TA replaced by GC on the plus strand (TA replaced by GC on the coding strand, the reverse complement: ECHS1 is on the minus strand). VCF-style: chr10-133366004-TA-GC. GRCh37 (hg19) VCF-style: chr10-135179508-TA-GC.
Other names: short protein forms V237G.
Identifiers: ClinVar variation 1490785 (VCV001490785.6), dbSNP rs2133439707, ClinGen allele CA2573145602.
Genomic context (GRCh38, chr10:133,366,004, plus strand): 5'-CCTCTCCAGTGTCTTCCTGGCAGATCCCCTACCTGCATTCACTGATTCTTTGGCCATCGC[TA>GC]CTACAATTTTAGAATTGCTGGCAATTTTTTCTGCACACTGGATGGCTTCTTCCACCAGTG-3'
Protein context (NP_004083.3, residues 227-247): EKIASNSKIV[Val237Gly]AMAKESVNAA